The following is an entry in ClinVar:

NM_001171.6(ABCC6):c.2667-9A>G

Gene: ABCC6 (ATP binding cassette subfamily C member 6; minus strand). Cytogenetic location: 16p13.11.
Variant type: single nucleotide variant.
Coding change: c.2667-9A>G on transcript NM_001171.6 (MANE Select); 9 bases into the intron before coding-DNA position 2667, A replaced by G.
Molecular consequence: intron variant.
Genome position (GRCh38, 1-based): chr16:16,173,413, T>C on the plus strand (A>G on the coding strand, the complement: ABCC6 is on the minus strand). VCF-style: chr16-16173413-T-C. GRCh37 (hg19) VCF-style: chr16-16267270-T-C.
Other names: c.2325-9A>G (NM_001351800.1); c.2667-9A>G (NM_001171.5).
Identifiers: ClinVar variation 1922328 (VCV001922328.7), dbSNP rs547502978, ClinGen allele CA278641501.
Genomic context (GRCh38, chr16:16,173,413, plus strand): 5'-TGTCTGGGCTTCTGAAGTGGTACGGTCCTTCTCAGGGACTGACTTGATGGACCTGTCATT[T>C]AGAGGAAATGAAGACAAAGTCAGTATCTCTCCCAATGGTGGGGTGTATGTGCCTAACCCT-3'

ClinVar aggregate classification (germline): Likely benign. Review status: criteria provided, single submitter (1 of 4 stars). 2 submissions from 2 submitters: Likely benign (1). 1 of the submissions does not count toward it. Last evaluated 2025-12-24.

Conditions:
ABCC6-related disorder. Also called: ABCC6-related condition.

Allele frequency attached by ClinVar (database versions not stated): TOPMed below 0.00001.

Submissions (2):

Labcorp Genetics (formerly Invitae), Labcorp
Classification: Likely benign. Last evaluated: 2025-12-24. Review status: criteria provided, single submitter. Criteria: Invitae Variant Classification Sherloc (09022015). Collection method: clinical testing. Allele origin: germline.

PreventionGenetics, part of Exact Sciences
Classification: Likely benign for ABCC6-related condition. Last evaluated: 2022-09-03. Review status: no assertion criteria provided. Collection method: clinical testing. Allele origin: germline. Not counted in ClinVar's aggregate classification.
Comment: This variant is classified as likely benign based on ACMG/AMP sequence variant interpretation guidelines (Richards et al. 2015 PMID: 25741868, with internal and published modifications).